The following is an entry in ClinVar:

ClinVar aggregate classification (germline): Uncertain significance (1 of 4 stars; one submission).

Conditions:
Welander distal myopathy (WDM). Also called: Welander distal myopathy, Swedish type; Distal myopathy, Swedish type; Gower's muscular dystrophy; MUSCULAR DYSTROPHY, DISTAL, LATE-ONSET, AUTOSOMAL DOMINANT. Identifiers: Orphanet 603, MedGen C0221054, MONDO:0011466, OMIM 604454.

Submission:

Labcorp Genetics (formerly Invitae), Labcorp
Classification: Uncertain significance for Welander distal myopathy. Last evaluated: 2024-06-17. Review status: criteria provided, single submitter. Criteria: Invitae Variant Classification Sherloc (09022015). Collection method: clinical testing. Allele origin: germline.
Comment: This sequence change replaces leucine, which is neutral and non-polar, with valine, which is neutral and non-polar, at codon 24 of the TIA1 protein (p.Leu24Val). This variant is not present in population databases (gnomAD no frequency). This variant has not been reported in the literature in individuals affected with TIA1-related conditions. ClinVar contains an entry for this variant (Variation ID: 859902). Advanced modeling of protein sequence and biophysical properties (such as structural, functional, and spatial information, amino acid conservation, physicochemical variation, residue mobility, and thermodynamic stability) performed at Invitae indicates that this missense variant is not expected to disrupt TIA1 protein function with a negative predictive value of 80%. In summary, the available evidence is currently insufficient to determine the role of this variant in disease. Therefore, it has been classified as a Variant of Uncertain Significance.

NM_022173.4(TIA1):c.70C>G (p.Leu24Val)

Gene: TIA1 (TIA1 cytotoxic granule associated RNA binding protein; minus strand). Cytogenetic location: 2p13.3.
Variant type: single nucleotide variant.
Coding change: c.70C>G on transcript NM_022173.4 (MANE Select); coding-DNA position 70, C replaced by G.
Protein change: p.Leu24Val; replaces leucine 24 with valine.
Molecular consequence: missense variant. On other transcripts: 5 prime UTR variant (7), non-coding transcript variant (16), intron variant (2).
Genome position (GRCh38, 1-based): chr2:70,236,132, G>C on the plus strand (C>G on the coding strand, the complement: TIA1 is on the minus strand). VCF-style: chr2-70236132-G-C. GRCh37 (hg19) VCF-style: chr2-70463264-G-C.
Other names: c.70C>G, p.Leu24Val (NM_001351508.2, NM_001351509.2, NM_001351510.2 and 7 more transcripts); c.-42C>G (NM_001351511.1, NM_001351512.1, NM_001351513.1); c.-320C>G (NM_001351515.2); c.-569C>G (NM_001351517.2); c.-346C>G (NM_001351524.2); c.-384C>G (NM_001351525.2); c.-72-5278C>G (NM_001351514.2, NM_001351523.2); short protein forms L24V.
Identifiers: ClinVar variation 859902 (VCV000859902.9), dbSNP rs1254426258, ClinGen allele CA347159669.
Genomic context (GRCh38, chr2:70,236,132, plus strand): 5'-CCCTTACATCCATAATCATTTTGCAGTTTTTACAAGGTCCAATCTGGCTAAAGAGTTGCA[G>C]AATTAGAGCTTCTGTCACATCTCTGGAAAGGTTACCGACGTATCTGAAACACAAAGAGAA-3'
Protein context (NP_071505.2, residues 14-34): LSRDVTEALI[Leu24Val]QLFSQIGPCK